The following is an entry in ClinVar:

NM_001100.4(ACTA1):c.1A>G (p.Met1Val)

Gene: ACTA1 (actin alpha 1, skeletal muscle; minus strand). Cytogenetic location: 1q42.13.
Variant type: single nucleotide variant.
Coding change: c.1A>G on transcript NM_001100.4 (MANE Select); coding-DNA position 1, A replaced by G.
Protein change: p.Met1Val; changes the start codon (methionine 1).
Molecular consequence: missense variant, initiator codon variant.
Genome position (GRCh38, 1-based): chr1:229,433,115, T>C on the plus strand (A>G on the coding strand, the complement: ACTA1 is on the minus strand). VCF-style: chr1-229433115-T-C. GRCh37 (hg19) VCF-style: chr1-229568862-T-C.
Other names: short protein forms M1V.
Identifiers: ClinVar variation 1029074 (VCV001029074.2), dbSNP rs1659988389, ClinGen allele CA345151959.
Genomic context (GRCh38, chr1:229,433,115, plus strand): 5'-CTTTCACCAGGCCGGAGCCATTGTCGCACACGAGGGCGGTGGTCTCGTCTTCGTCGCACA[T>C]TGTGTCTAGTTTCTGCAAGGACAGGGAGACCGCGAAGAGGCGCGGTGCATCAGCGCAGAA-3'
Protein context (NP_001091.1, residues 1-11): [Met1Val]CDEDETTALV

ClinVar aggregate classification (germline): Uncertain significance (1 of 4 stars; one submission).

Conditions:
Congenital myopathy with fiber type disproportion. Also called: Congenital fiber-type disproportion myopathy; Congenital fiber-type disproportion. Identifiers: Orphanet 2020, MedGen C0546264, MONDO:0009711. Inheritance: all.

Submission:

Baylor Genetics
Classification: Uncertain significance for Congenital myopathy 4A, autosomal dominant. Last evaluated: 2020-08-11. Review status: criteria provided, single submitter. Criteria: ACMG Guidelines, 2015. Collection method: clinical testing. Allele origin: unknown. Affected: yes.
Comment: This variant was determined to be of uncertain significance according to ACMG Guidelines, 2015 [PMID:25741868].